The following is an entry in ClinVar:

NM_033380.3(COL4A5):c.458G>A (p.Gly153Asp)

Gene: COL4A5 (collagen type IV alpha 5 chain; plus strand). Cytogenetic location: Xq22.3.
Variant type: single nucleotide variant.
Coding change: c.458G>A on transcript NM_033380.3 (MANE Select); coding-DNA position 458, G replaced by A.
Protein change: p.Gly153Asp; replaces glycine 153 with aspartic acid.
Molecular consequence: missense variant.
Genome position (GRCh38, 1-based): chrX:108,571,830, G>A. VCF-style: chrX-108571830-G-A. GRCh37 (hg19) VCF-style: chrX-107815060-G-A.
Other names: p.(Gly153Asp); c.458G>A, p.Gly153Asp (NM_000495.5); short protein forms G153D.
Identifiers: ClinVar variation 4952223 (VCV004952223.2), dbSNP rs1569488946.

ClinVar aggregate classification (germline): Pathogenic/Likely pathogenic. Review status: criteria provided, multiple submitters, no conflicts (2 of 4 stars). 2 submissions from 2 submitters: Pathogenic (1); Likely pathogenic (1). Last evaluated 2026-07-10.

Conditions:
X-linked Alport syndrome (ATS1). Also called: NEPHROPATHY AND DEAFNESS, X-LINKED; COL4A5-Related Nephropathy. Identifiers: Orphanet 63, Orphanet 88917, MedGen C4746986, MONDO:0010520, OMIM 301050.
COL4A5-related disorders.

Submissions (2):

Centre de Génétique Humaine, Institut de Pathologie Et de Génétique
Classification: Likely pathogenic for X-linked Alport syndrome. Last evaluated: 2026-07-10. Review status: criteria provided, single submitter. Criteria: ACMG Guidelines, 2015. Collection method: clinical testing. Allele origin: germline. Inheritance: X-linked dominant inheritance. Affected: yes. Observed: 1 variant allele, 1 hemizygote. Segregation with disease not observed.
Comment: This missense variant involves a highly conserved glycine located in a ‘Gly-X-Y’ motif in collagenous region, (PM1,PP2). This variant is rare: absent in gnomAD v4.1.0 database (PM2). Another missense variant affecting the same residue described as likely pathogenic/pathogenic: c.458G>T (p.Gly153Val) (PM5). In silico analysis supports that this missense variant has a deleterious effect (PP3). Described in scientific literature in several families with X-linked AS (PP5).

Blueprint Genetics
Classification: Pathogenic for COL4A5-related disorders. Last evaluated: 2024-09-11. Review status: criteria provided, single submitter. Criteria: ACMG Guidelines, 2015. Collection method: clinical testing. Allele origin: germline. Affected: yes. Observed: 1 variant allele.

Literature cited by the submitters: PubMed 20378821 (cited by Centre de Génétique Humaine, Institut de Pathologie Et de Génétique); PubMed 31328266 (cited by Centre de Génétique Humaine, Institut de Pathologie Et de Génétique); PubMed 40004525 (cited by Centre de Génétique Humaine, Institut de Pathologie Et de Génétique); PubMed 41426028 (cited by Centre de Génétique Humaine, Institut de Pathologie Et de Génétique).